The following is an entry in ClinVar:

ClinVar aggregate classification (germline): Pathogenic (1 of 4 stars; one submission).

Conditions:
Galactosylceramide beta-galactosidase deficiency. Also called: GALACTOCEREBROSIDASE DEFICIENCY; GALC DEFICIENCY; GLOBOID CELL LEUKOENCEPHALOPATHY; Leukodystrophy, Globoid Cell; Krabbe Disease. Identifiers: Orphanet 487, MedGen C0023521, MONDO:0009499, OMIM 245200.

Submission:

Myriad Genetics, Inc.
Classification: Pathogenic for Galactosylceramide beta-galactosidase deficiency. Last evaluated: 2025-08-13. Review status: criteria provided, single submitter. Criteria: Myriad Autosomal Dominant, Autosomal Recessive and X-Linked Classification Criteria (2023). Collection method: clinical testing. Allele origin: unknown.
Comment: NM_000153.3(GALC):c.375T>A(Y125*) is expected to be pathogenic in the context of Krabbe disease. This variant is predicted to lead to an abnormal or absent protein product due to the creation of a premature termination codon in GALC, a gene where loss-of-function variants are known to be pathogenic. Please note: this variant was assessed in the context of healthy population screening.

NM_000153.4(GALC):c.375T>A (p.Tyr125Ter)

Gene: GALC (galactosylceramidase; minus strand). Cytogenetic location: 14q31.3.
Variant type: single nucleotide variant.
Coding change: c.375T>A on transcript NM_000153.4 (MANE Select); coding-DNA position 375, T replaced by A.
Protein change: p.Tyr125Ter; replaces tyrosine 125 with a stop codon.
Molecular consequence: nonsense. On other transcripts: 5 prime UTR variant (2), non-coding transcript variant (1).
Genome position (GRCh38, 1-based): chr14:87,986,556, A>T on the plus strand (T>A on the coding strand, the complement: GALC is on the minus strand). VCF-style: chr14-87986556-A-T. GRCh37 (hg19) VCF-style: chr14-88452900-A-T.
Other names: c.306T>A, p.Tyr102Ter (NM_001201401.2); c.297T>A, p.Tyr99Ter (NM_001201402.2); c.207T>A, p.Tyr69Ter (NM_001424071.1, NM_001424072.1, NM_001424073.1); c.27T>A, p.Tyr9Ter (NM_001424074.1, NM_001424075.1); c.-293T>A (NM_001424076.1, NM_001424077.1); short protein forms Y102*, Y125*, Y69*, Y9*, Y99*.
Identifiers: ClinVar variation 5014868 (VCV005014868.1).